The following is an entry in ClinVar:

ClinVar aggregate classification (germline): Uncertain significance. Review status: criteria provided, multiple submitters, no conflicts (2 of 4 stars). 5 submissions from 5 submitters: Uncertain significance (5). Last evaluated 2025-04-09.

Conditions:
Cardiovascular phenotype. Identifiers: MedGen CN230736.

Allele frequency attached by ClinVar (database versions not stated): gnomAD 0.00002; TOPMed 0.00004.
gnomAD v4.1: 63 of 1,613,974 alleles (0.0039%); highest among the groups gnomAD compares: Non-Finnish European, 0.0048%; no homozygotes.

Submissions (5):

Molecular Diagnostic Laboratory for Inherited Cardiovascular Disease, Montreal Heart Institute
Classification: Uncertain significance for Cardiovascular phenotype. Last evaluated: 2025-04-09. Review status: criteria provided, single submitter. Criteria: ACMG Guidelines, 2015. Collection method: clinical testing. Allele origin: germline. Affected: yes.

Blueprint Genetics
Classification: Uncertain significance. Last evaluated: 2024-10-15. Review status: criteria provided, single submitter. Criteria: ACMG Guidelines, 2015. Collection method: clinical testing. Allele origin: germline.

Labcorp Genetics (formerly Invitae), Labcorp
Classification: Uncertain significance. Last evaluated: 2024-07-14. Review status: criteria provided, single submitter. Criteria: Invitae Variant Classification Sherloc (09022015). Collection method: clinical testing. Allele origin: germline.
Comment: This sequence change replaces isoleucine, which is neutral and non-polar, with leucine, which is neutral and non-polar, at codon 224 of the AARS2 protein (p.Ile224Leu). This variant is present in population databases (rs772630843, gnomAD 0.009%). This missense change has been observed in individual(s) with hypertrophic cardiomyopathy (PMID: 32746448). ClinVar contains an entry for this variant (Variation ID: 1427011). Advanced modeling of protein sequence and biophysical properties (such as structural, functional, and spatial information, amino acid conservation, physicochemical variation, residue mobility, and thermodynamic stability) performed at Invitae indicates that this missense variant is not expected to disrupt AARS2 protein function with a negative predictive value of 80%. In summary, the available evidence is currently insufficient to determine the role of this variant in disease. Therefore, it has been classified as a Variant of Uncertain Significance.

GeneDx
Classification: Uncertain significance. Last evaluated: 2023-09-18. Review status: criteria provided, single submitter. Criteria: GeneDx Variant Classification Process June 2021. Collection method: clinical testing. Allele origin: germline. Affected: yes.
Comment: Not observed at significant frequency in large population cohorts (gnomAD); Identified in the heterozygous state in an individual with pediatric cardiomyopathy who also harbored variants in additional genes (Burstein DS et al., 2021); In silico analysis supports that this missense variant does not alter protein structure/function; This variant is associated with the following publications: (PMID: 32746448)

Breakthrough Genomics
Classification: Uncertain significance. Review status: criteria provided, single submitter. Criteria: ACMG Guidelines, 2015. Collection method: not provided. Allele origin: germline. Inheritance: Autosomal recessive inheritance. Affected: yes.

Literature cited by the submitters: PubMed 32746448 (cited by Labcorp Genetics (formerly Invitae), Labcorp).

NM_020745.4(AARS2):c.670A>C (p.Ile224Leu)

Gene: AARS2 (alanyl-tRNA synthetase 2, mitochondrial; minus strand). Cytogenetic location: 6p21.1.
Variant type: single nucleotide variant.
Coding change: c.670A>C on transcript NM_020745.4 (MANE Select); coding-DNA position 670, A replaced by C.
Protein change: p.Ile224Leu; replaces isoleucine 224 with leucine.
Molecular consequence: missense variant.
Genome position (GRCh38, 1-based): chr6:44,311,073, T>G on the plus strand (A>C on the coding strand, the complement: AARS2 is on the minus strand). VCF-style: chr6-44311073-T-G. GRCh37 (hg19) VCF-style: chr6-44278810-T-G.
Other names: c.670A>C (NM_020745.2, NM_020745.3); short protein forms I224L.
Identifiers: ClinVar variation 1427011 (VCV001427011.11), dbSNP rs772630843, ClinGen allele CA3834577.